The following is an entry in ClinVar:

ClinVar aggregate classification (germline): Uncertain significance (1 of 4 stars; one submission).

Submission:

Labcorp Genetics (formerly Invitae), Labcorp
Classification: Uncertain significance. Last evaluated: 2024-10-07. Review status: criteria provided, single submitter. Criteria: Invitae Variant Classification Sherloc (09022015). Collection method: clinical testing. Allele origin: germline.
Comment: This sequence change falls in intron 9 of the CEP135 gene. It does not directly change the encoded amino acid sequence of the CEP135 protein. Information on the frequency of this variant in the gnomAD database is not available, as this variant may be reported differently in the database. This variant has not been reported in the literature in individuals affected with CEP135-related conditions. ClinVar contains an entry for this variant (Variation ID: 1971655). Experimental studies and prediction algorithms are not available or were not evaluated, and the effect of this variant on mRNA splicing is currently unknown. In summary, the available evidence is currently insufficient to determine the role of this variant in disease. Therefore, it has been classified as a Variant of Uncertain Significance.

NM_025009.5(CEP135):c.1110+15_1110+16inv

Gene: CEP135 (centrosomal protein 135; plus strand). Cytogenetic location: 4q12.
Variant type: Inversion.
Coding change: c.1110+15_1110+16inv on transcript NM_025009.5 (MANE Select).
Molecular consequence: intron variant.
Genome position: GRCh38 VCF-style: chr4-55969143-TG-CA. GRCh37 (hg19) VCF-style: chr4-56835309-TG-CA.
Identifiers: ClinVar variation 1971655 (VCV001971655.5), ClinGen allele CA2580071207.